The following is an entry in ClinVar:

NM_000432.4(MYL2):c.483C>A (p.His161Gln)

Gene: MYL2 (myosin light chain 2; minus strand). Cytogenetic location: 12q24.11.
Variant type: single nucleotide variant.
Coding change: c.483C>A on transcript NM_000432.4 (MANE Select); coding-DNA position 483, C replaced by A.
Protein change: p.His161Gln; replaces histidine 161 with glutamine.
Molecular consequence: missense variant.
Genome position (GRCh38, 1-based): chr12:110,911,095, G>T on the plus strand (C>A on the coding strand, the complement: MYL2 is on the minus strand). VCF-style: chr12-110911095-G-T. GRCh37 (hg19) VCF-style: chr12-111348899-G-T.
Other names: short protein forms H161Q.
Identifiers: ClinVar variation 264266 (VCV000264266.16), dbSNP rs886039108, ClinGen allele CA10587734.

ClinVar aggregate classification (germline): Uncertain significance. Review status: criteria provided, multiple submitters, no conflicts (2 of 4 stars). 4 submissions from 4 submitters: Uncertain significance (2). 2 of the submissions do not count toward it. Last evaluated 2022-06-13.

Conditions:
Hypertrophic cardiomyopathy 10. Also called: CARDIOMYOPATHY, HYPERTROPHIC, MID-LEFT VENTRICULAR CHAMBER TYPE, 2; MYL2-Related Familial Hypertrophic Cardiomyopathy. Identifiers: MedGen C1834460, MONDO:0012112, OMIM 608758.
Cardiovascular phenotype. Identifiers: MedGen CN230736.

Submissions (4):

Labcorp Genetics (formerly Invitae), Labcorp
Classification: Uncertain significance for Hypertrophic cardiomyopathy 10. Last evaluated: 2022-06-13. Review status: criteria provided, single submitter. Criteria: Invitae Variant Classification Sherloc (09022015). Collection method: clinical testing. Allele origin: germline.
Comment: In summary, the available evidence is currently insufficient to determine the role of this variant in disease. Therefore, it has been classified as a Variant of Uncertain Significance. Algorithms developed to predict the effect of missense changes on protein structure and function are either unavailable or do not agree on the potential impact of this missense change (SIFT: "Tolerated"; PolyPhen-2: "Probably Damaging"; Align-GVGD: "Class C0"). ClinVar contains an entry for this variant (Variation ID: 264266). This variant has not been reported in the literature in individuals affected with MYL2-related conditions. This variant is not present in population databases (gnomAD no frequency). This sequence change replaces histidine, which is basic and polar, with glutamine, which is neutral and polar, at codon 161 of the MYL2 protein (p.His161Gln).

Ambry Genetics
Classification: Uncertain significance for Cardiovascular phenotype. Last evaluated: 2015-08-13. Review status: criteria provided, single submitter. Criteria: Ambry Variant Classification Scheme 2023. Collection method: clinical testing. Allele origin: germline.
Comment: The p.H161Q variant (also known as c.483C>A), located in coding exon 7 of the MYL2 gene, results from a C to A substitution at nucleotide position 483. The histidine at codon 161 is replaced by glutamine, an amino acid with highly similar properties. This variant has not been previously reported in association with hypertrophic cardiomyopathy (HCM). Another alteration in the same codon, p.H161R (c.482A>G), has been reported in association with HCM (Helms AS et al. Circ Cardiovasc Genet. 2014; 7(4):434-43). The p.H161Q variant was not reported in population based cohorts in the following databases: Database of Single Nucleotide Polymorphisms (dbSNP), NHLBI Exome Sequencing Project (ESP), and 1000 Genomes Project. In the ESP, this variant was not observed in 6503 samples (13006 alleles) with coverage at this position. This amino acid position is highly conserved in available vertebrate species. In addition, the in silico prediction for this alteration is inconclusive. Since supporting evidence is limited at this time, the clinical significance of this variant remains unclear.

Clinical Genetics DNA and cytogenetics Diagnostics Lab, Erasmus MC, Erasmus Medical Center
Classification: Pathogenic. Review status: no assertion criteria provided. Collection method: clinical testing. Allele origin: germline. Affected: yes. Study: VKGL Data-share Consensus. Not counted in ClinVar's aggregate classification.

Diagnostic Laboratory, Department of Genetics, University Medical Center Groningen
Classification: Pathogenic. Review status: no assertion criteria provided. Collection method: clinical testing. Allele origin: germline. Affected: yes. Study: VKGL Data-share Consensus. Not counted in ClinVar's aggregate classification.

Literature cited by the submitters: PubMed 25031304 (cited by Ambry Genetics).